The following is an entry in ClinVar:

NM_058004.4(PI4KA):c.3674A>G (p.His1225Arg)

Gene: PI4KA (phosphatidylinositol 4-kinase alpha; minus strand). Cytogenetic location: 22q11.21.
Variant type: single nucleotide variant.
Coding change: c.3674A>G on transcript NM_058004.4 (MANE Select); coding-DNA position 3674, A replaced by G.
Protein change: p.His1225Arg; replaces histidine 1225 with arginine.
Molecular consequence: missense variant.
Genome position (GRCh38, 1-based): chr22:20,742,295, T>C on the plus strand (A>G on the coding strand, the complement: PI4KA is on the minus strand). VCF-style: chr22-20742295-T-C. GRCh37 (hg19) VCF-style: chr22-21096583-T-C.
Other names: c.3581A>G, p.His1194Arg (NM_001362862.2); c.3608A>G, p.His1203Arg (NM_001362863.2); c.3674A>G (NM_058004.3); short protein forms H1194R, H1203R, H1225R.
Identifiers: ClinVar variation 1879548 (VCV001879548.30), dbSNP rs201269583, ClinGen allele CA10115292.

ClinVar aggregate classification (germline): Uncertain significance. Review status: criteria provided, multiple submitters, no conflicts (2 of 4 stars). 2 submissions from 2 submitters: Uncertain significance (2). Last evaluated 2023-03-22.

Allele frequency attached by ClinVar (database versions not stated): gnomAD 0.00007; ExAC 0.00012; TOPMed 0.00014; gnomAD exomes 0.00026; 1000 Genomes Project 30x 0.00031; 1000 Genomes Project 0.00040.
gnomAD v4.1: 377 of 1,614,224 alleles (0.023%); highest among the groups gnomAD compares: Admixed American, 0.033%; no homozygotes.

Submissions (2):

GeneDx
Classification: Uncertain significance. Last evaluated: 2023-03-22. Review status: criteria provided, single submitter. Criteria: GeneDx Variant Classification Process June 2021. Collection method: clinical testing. Allele origin: germline. Affected: yes.
Comment: Has not been previously published as pathogenic or benign to our knowledge; In silico analysis supports that this missense variant does not alter protein structure/function

CeGaT Center for Human Genetics Tuebingen
Classification: Uncertain significance. Last evaluated: 2022-12-01. Review status: criteria provided, single submitter. Criteria: CeGaT Center For Human Genetics Tuebingen Variant Classification Criteria Version 2. Collection method: clinical testing. Allele origin: germline. Affected: yes. Observed: 1 variant allele.
Comment: PI4KA: PM2, PP2